The following is an entry in ClinVar:

ClinVar aggregate classification (germline): Uncertain significance. Review status: criteria provided, multiple submitters, no conflicts (2 of 4 stars). 5 submissions from 5 submitters: Uncertain significance (5). Last evaluated 2024-02-20.

Conditions:
Primary ciliary dyskinesia. Also called: Ciliary dyskinesia. Identifiers: Orphanet 244, MedGen C0008780, MONDO:0016575, HP:0012265.
Primary ciliary dyskinesia 15. Also called: CILIARY DYSKINESIA, PRIMARY, 15, WITH OR WITHOUT SITUS INVERSUS. Identifiers: Orphanet 244, MedGen C3151137, MONDO:0013435, OMIM 613808.

Allele frequency attached by ClinVar (database versions not stated): ExAC 0.00008; gnomAD exomes 0.00008; TOPMed 0.00010; gnomAD 0.00011 and 0.00012; 1000 Genomes Project 30x 0.00016; ESP Exome Variant Server 0.00016; 1000 Genomes Project 0.00020.
gnomAD v4.1: 317 of 1,611,194 alleles (0.02%); highest among the groups gnomAD compares: Non-Finnish European, 0.025%; no homozygotes.

Submissions (5):

Ambry Genetics
Classification: Uncertain significance for Primary ciliary dyskinesia. Last evaluated: 2024-02-20. Review status: criteria provided, single submitter. Criteria: Ambry Variant Classification Scheme 2023. Collection method: clinical testing. Allele origin: germline.
Comment: The p.R359H variant (also known as c.1076G>A), located in coding exon 7 of the CCDC40 gene, results from a G to A substitution at nucleotide position 1076. The arginine at codon 359 is replaced by histidine, an amino acid with highly similar properties. This variant was identified in a cohort of individuals who underwent genetic testing for primary ciliary dyskinesia; however, specific genotype and phenotype information was not provided (De Jes&uacute;s-Rojas W et al. Diagnostics (Basel), 2022 May;12:). This amino acid position is highly conserved in available vertebrate species. In addition, the in silico prediction for this alteration is inconclusive. Based on the available evidence, the clinical significance of this alteration remains unclear.

Labcorp Genetics (formerly Invitae), Labcorp
Classification: Uncertain significance for Primary ciliary dyskinesia. Last evaluated: 2022-06-29. Review status: criteria provided, single submitter. Criteria: Invitae Variant Classification Sherloc (09022015). Collection method: clinical testing. Allele origin: germline.
Comment: This sequence change replaces arginine, which is basic and polar, with histidine, which is basic and polar, at codon 359 of the CCDC40 protein (p.Arg359His). This variant is present in population databases (rs373746597, gnomAD 0.02%). This variant has not been reported in the literature in individuals affected with CCDC40-related conditions. ClinVar contains an entry for this variant (Variation ID: 241229). Algorithms developed to predict the effect of missense changes on protein structure and function are either unavailable or do not agree on the potential impact of this missense change (SIFT: "Deleterious"; PolyPhen-2: "Benign"; Align-GVGD: "Class C0"). In summary, the available evidence is currently insufficient to determine the role of this variant in disease. Therefore, it has been classified as a Variant of Uncertain Significance.

GeneDx
Classification: Uncertain significance. Last evaluated: 2020-01-20. Review status: criteria provided, single submitter. Criteria: GeneDx Variant Classification Process June 2021. Collection method: clinical testing. Allele origin: germline. Affected: yes.
Comment: In silico analysis, which includes protein predictors and evolutionary conservation, supports a deleterious effect; Has not been previously published as pathogenic or benign to our knowledge

Illumina Laboratory Services, Illumina
Classification: Uncertain significance for Primary ciliary dyskinesia 15. Last evaluated: 2018-01-13. Review status: criteria provided, single submitter. Criteria: ICSL Variant Classification Criteria 13 December 2019. Collection method: clinical testing. Allele origin: germline.

Breakthrough Genomics
Classification: Uncertain significance. Review status: criteria provided, single submitter. Criteria: ACMG Guidelines, 2015. Collection method: not provided. Allele origin: germline. Inheritance: Autosomal recessive inheritance. Affected: yes.

Literature cited by the submitters: PubMed 35626283 (cited by Ambry Genetics).

NM_017950.4(CCDC40):c.1076G>A (p.Arg359His)

Gene: CCDC40 (coiled-coil domain 40 molecular ruler complex subunit; plus strand). Cytogenetic location: 17q25.3.
Variant type: single nucleotide variant.
Coding change: c.1076G>A on transcript NM_017950.4 (MANE Select); coding-DNA position 1076, G replaced by A.
Protein change: p.Arg359His; replaces arginine 359 with histidine.
Molecular consequence: missense variant.
Genome position (GRCh38, 1-based): chr17:80,050,200, G>A. VCF-style: chr17-80050200-G-A. GRCh37 (hg19) VCF-style: chr17-78023999-G-A.
Other names: c.1076G>A, p.Arg359His (NM_001243342.2, NM_001330508.2); short protein forms R359H.
Identifiers: ClinVar variation 241229 (VCV000241229.11), dbSNP rs373746597, ClinGen allele CA8813679.
Genomic context (GRCh38, chr17:80,050,200, plus strand): 5'-TACACCTGCAGAAGCTGCTGGAGAAGAGTCACGACCGCCACGCAATGGCCTCGAGCGAGC[G>A]CAGGCAGAAGGAGGAGGAGCTGCAGGCCGCCCGCGCTCTCTACACCAAGACCTGCGCAGC-3'
Protein context (NP_060420.2, residues 349-369): HDRHAMASSE[Arg359His]RQKEEELQAA